The following is an entry in ClinVar:

NM_198576.4(AGRN):c.5210C>T (p.Ala1737Val)

Gene: AGRN (agrin; plus strand). Cytogenetic location: 1p36.33.
Variant type: single nucleotide variant.
Coding change: c.5210C>T on transcript NM_198576.4 (MANE Select); coding-DNA position 5210, C replaced by T.
Protein change: p.Ala1737Val; replaces alanine 1737 with valine.
Molecular consequence: missense variant.
Genome position (GRCh38, 1-based): chr1:1,050,794, C>T. VCF-style: chr1-1050794-C-T. GRCh37 (hg19) VCF-style: chr1-986174-C-T.
Other names: c.5210C>T, p.Ala1737Val (NM_001305275.2); c.4895C>T, p.Ala1632Val (NM_001364727.2); short protein forms A1632V, A1737V.
Identifiers: ClinVar variation 998528 (VCV000998528.8), dbSNP rs374922434, ClinGen allele CA509909.
Genomic context (GRCh38, chr1:1,050,794, plus strand): 5'-AGCCAGTCACCCTGGGAGCCTGGACCAGGGTCTCACTGGAGCGAAACGGCCGCAAGGGTG[C>T]CCTGCGTGTGGGCGACGGCCCCCGTGTGTTGGGGGAGTCCCCGGTGAGTGCTCTGGGCCG-3'
Protein context (NP_940978.2, residues 1727-1747): VSLERNGRKG[Ala1737Val]LRVGDGPRVL

ClinVar aggregate classification (germline): Uncertain significance. Review status: criteria provided, multiple submitters, no conflicts (2 of 4 stars). 3 submissions from 3 submitters: Uncertain significance (3). Last evaluated 2025-05-25.

Conditions:
Inborn genetic diseases. Identifiers: MedGen C0950123, MeSH D030342.
Congenital myasthenic syndrome 8. Also called: Myasthenic syndrome, congenital, 8, with pre- and postsynaptic defects; MYASTHENIC SYNDROME, CONGENITAL, DUE TO AGRIN DEFICIENCY. Identifiers: Orphanet 590, MedGen C3808739, MONDO:0014052, OMIM 615120.

Allele frequency attached by ClinVar (database versions not stated): gnomAD exomes 0.00002 and 0.00003; ExAC 0.00003; gnomAD 0.00005; ESP Exome Variant Server 0.00008; TOPMed 0.00005.

Submissions (3):

Ambry Genetics
Classification: Uncertain significance for Inborn genetic diseases. Last evaluated: 2025-05-25. Review status: criteria provided, single submitter. Criteria: Ambry Variant Classification Scheme 2023. Collection method: clinical testing. Allele origin: germline.

Labcorp Genetics (formerly Invitae), Labcorp
Classification: Uncertain significance for Congenital myasthenic syndrome 8. Last evaluated: 2023-07-13. Review status: criteria provided, single submitter. Criteria: Invitae Variant Classification Sherloc (09022015). Collection method: clinical testing. Allele origin: germline.
Comment: This variant has not been reported in the literature in individuals affected with AGRN-related conditions. The frequency data for this variant in the population databases is considered unreliable, as metrics indicate poor data quality at this position in the gnomAD database. This sequence change replaces alanine, which is neutral and non-polar, with valine, which is neutral and non-polar, at codon 1737 of the AGRN protein (p.Ala1737Val). ClinVar contains an entry for this variant (Variation ID: 998528). Algorithms developed to predict the effect of missense changes on protein structure and function output the following: SIFT: "Not Available"; PolyPhen-2: "Benign"; Align-GVGD: "Not Available". The valine amino acid residue is found in multiple mammalian species, which suggests that this missense change does not adversely affect protein function. In summary, the available evidence is currently insufficient to determine the role of this variant in disease. Therefore, it has been classified as a Variant of Uncertain Significance.

GeneDx
Classification: Uncertain significance. Last evaluated: 2022-01-13. Review status: criteria provided, single submitter. Criteria: GeneDx Variant Classification Process June 2021. Collection method: clinical testing. Allele origin: germline. Affected: yes.
Comment: Not observed at significant frequency in large population cohorts (gnomAD); In silico analysis supports that this missense variant does not alter protein structure/function; Has not been previously published as pathogenic or benign to our knowledge